The following is an entry in ClinVar:

NM_000257.4(MYH7):c.999+175G>A

Gene: MYH7 (myosin heavy chain 7; minus strand). Cytogenetic location: 14q11.2.
Variant type: single nucleotide variant.
Coding change: c.999+175G>A on transcript NM_000257.4 (MANE Select); 175 bases into the intron after coding-DNA position 999, G replaced by A.
Molecular consequence: intron variant.
Genome position (GRCh38, 1-based): chr14:23,430,385, C>T on the plus strand (G>A on the coding strand, the complement: MYH7 is on the minus strand). VCF-style: chr14-23430385-C-T. GRCh37 (hg19) VCF-style: chr14-23899594-C-T.
Identifiers: ClinVar variation 675375 (VCV000675375.1), dbSNP rs115459715, ClinGen allele CA257825227.
Genomic context (GRCh38, chr14:23,430,385, plus strand): 5'-TCTCTGTCTCATGGCTTTCAGCTCTTCCTGGTTTGATAGAACACCAGATACTGGCCAGTC[C>T]TGTCTCACCTCATCCATTCCCCAGTACACCCTGATCACAGGGCACATTCTGGCTCTCAGG-3'

ClinVar aggregate classification (germline): Likely benign (1 of 4 stars; one submission).

Allele frequency attached by ClinVar (database versions not stated): gnomAD 0.00344 and 0.00361; TOPMed 0.00415; 1000 Genomes Project 0.00559; 1000 Genomes Project 30x 0.00671.
gnomAD v4.1: 521 of 152,262 alleles (0.34%); highest among the groups gnomAD compares: African/African-American, 1.2%; 2 homozygotes.

Submission:

GeneDx
Classification: Likely benign. Last evaluated: 2018-06-19. Review status: criteria provided, single submitter. Criteria: GeneDx Variant Classification (06012015). Collection method: clinical testing. Allele origin: germline. Affected: yes.
Comment: This variant is considered likely benign or benign based on one or more of the following criteria: it is a conservative change, it occurs at a poorly conserved position in the protein, it is predicted to be benign by multiple in silico algorithms, and/or has population frequency not consistent with disease.